The following is an entry in ClinVar:

NM_139027.6(ADAMTS13):c.695T>A (p.Leu232Gln)

Gene: ADAMTS13 (ADAM metallopeptidase with thrombospondin type 1 motif 13; plus strand). Cytogenetic location: 9q34.2.
Variant type: single nucleotide variant.
Coding change: c.695T>A on transcript NM_139027.6 (MANE Select); coding-DNA position 695, T replaced by A.
Protein change: p.Leu232Gln; replaces leucine 232 with glutamine.
Molecular consequence: missense variant.
Genome position (GRCh38, 1-based): chr9:133,428,642, T>A. VCF-style: chr9-133428642-T-A. GRCh37 (hg19) VCF-style: chr9-136293762-T-A.
Other names: c.695T>A, p.Leu232Gln (NM_139025.5, NM_139026.6); short protein forms L232Q.
Identifiers: ClinVar variation 68825 (VCV000068825.2), dbSNP rs281875292, ClinGen allele CA220053.

ClinVar aggregate classification (germline): Likely pathogenic. Review status: criteria provided, single submitter (1 of 4 stars). 2 submissions from 2 submitters: Likely pathogenic (1). 1 of the submissions does not count toward it. Last evaluated 2025-01-23.

Conditions:
Upshaw-Schulman syndrome (TTP). Also called: THROMBOTIC THROMBOCYTOPENIC PURPURA, HEREDITARY; Congenital thrombotic thrombocytopenic purpura. Identifiers: Orphanet 93583, MedGen C1268935, MONDO:0010122, OMIM 274150.

gnomAD v4.1: 1 of 1,273,534 alleles (0.000079%); highest among the groups gnomAD compares: Non-Finnish European, 0.0001%; no homozygotes.

Submissions (2):

MVZ Medizinische Genetik Mainz
Classification: Likely pathogenic for Upshaw-Schulman syndrome. Last evaluated: 2025-01-23. Review status: criteria provided, single submitter. Criteria: UK Practice Guidelines For Variant Classification V4 01 2020. Collection method: clinical testing. Allele origin: germline. Inheritance: Autosomal recessive inheritance. Affected: yes. Observed: 1 variant allele.
Comment: ACMG Criteria: PS3_MOD,PM3,PM1_SUP,PM2_SUP,PP3,PP4

UniProtKB/Swiss-Prot
No classification provided. Review status: no classification provided. Collection method: not provided. Allele origin: not provided. Not counted in ClinVar's aggregate classification.